The following is an entry in ClinVar:

NM_000059.4(BRCA2):c.9063_9064dup (p.Arg3022fs)

Gene: BRCA2 (BRCA2 DNA repair associated; plus strand). Cytogenetic location: 13q13.1.
Variant type: Duplication.
Coding change: c.9063_9064dup on transcript NM_000059.4 (MANE Select); coding-DNA positions 9063 to 9064, 2 bases duplicated (AA; older notation c.9063_9064dupAA).
Protein change: p.Arg3022fs; shifts the reading frame from arginine 3022.
Molecular consequence: frameshift variant.
Genome position (GRCh38, 1-based): chr13:32,379,859-32,379,860, AA duplicated; duplicating any 2 consecutive bases within chr13:32,379,858-32,379,860 gives the same sequence; the c. name uses the placement nearest the transcript's 3' end. VCF-style (leftmost placement, unchanged base first): chr13-32379857-G-GAA. GRCh37 (hg19) VCF-style: chr13-32953994-G-GAA.
Other names: 9292insAA; short protein forms R3022fs.
Identifiers: ClinVar variation 267136 (VCV000267136.5), dbSNP rs886040817, ClinGen allele CA10589544.

ClinVar aggregate classification (germline): Pathogenic. Review status: reviewed by expert panel (3 of 4 stars). 2 submissions from 2 submitters: Pathogenic (1). 1 of the submissions does not count toward it. Last evaluated 2016-10-18.

Conditions:
Breast-ovarian cancer, familial, susceptibility to, 2 (BROVCA2). Also called: BRCA2 Hereditary Breast and Ovarian Cancer. Identifiers: Orphanet 145, MedGen C2675520, MONDO:0012933, OMIM 612555. Disease mechanism: loss of function.

Submissions (2):

Evidence-based Network for the Interpretation of Germline Mutant Alleles (ENIGMA)
Classification: Pathogenic for Breast-ovarian cancer, familial, susceptibility to, 2. Last evaluated: 2016-10-18. Review status: reviewed by expert panel. Criteria: ENIGMA BRCA1/2 Classification Criteria (2015). Collection method: curation. Allele origin: germline.
Comment: Variant allele predicted to encode a truncated non-functional protein.

Consortium of Investigators of Modifiers of BRCA1/2 (CIMBA), c/o University of Cambridge
Classification: Pathogenic for Breast-ovarian cancer, familial, susceptibility to, 2. Last evaluated: 2015-10-02. Review status: criteria provided, single submitter. Criteria: CIMBA Mutation Classification guidelines May 2016. Collection method: clinical testing. Allele origin: germline. Not counted in ClinVar's aggregate classification.